The following is an entry in ClinVar:

NM_003470.3(USP7):c.3061A>G (p.Met1021Val)

Gene: USP7 (ubiquitin specific peptidase 7; minus strand). Cytogenetic location: 16p13.2.
Variant type: single nucleotide variant.
Coding change: c.3061A>G on transcript NM_003470.3 (MANE Select); coding-DNA position 3061, A replaced by G.
Protein change: p.Met1021Val; replaces methionine 1021 with valine.
Molecular consequence: missense variant. On other transcripts: non-coding transcript variant (1).
Genome position (GRCh38, 1-based): chr16:8,894,834, T>C on the plus strand (A>G on the coding strand, the complement: USP7 is on the minus strand). VCF-style: chr16-8894834-T-C. GRCh37 (hg19) VCF-style: chr16-8988691-T-C.
Other names: c.3013A>G, p.Met1005Val (NM_001286457.2); c.2764A>G, p.Met922Val (NM_001286458.2); c.2887A>G, p.Met963Val (NM_001321858.2); short protein forms M1005V, M1021V, M922V, M963V.
Identifiers: ClinVar variation 1694787 (VCV001694787.31), dbSNP rs2141158099, ClinGen allele CA394695491.

ClinVar aggregate classification (germline): Uncertain significance (1 of 4 stars; one submission).

Submission:

CeGaT Center for Human Genetics Tuebingen
Classification: Uncertain significance. Last evaluated: 2022-05-01. Review status: criteria provided, single submitter. Criteria: CeGaT Center For Human Genetics Tuebingen Variant Classification Criteria Version 2. Collection method: clinical testing. Allele origin: germline. Affected: yes. Observed: 1 variant allele.
Comment: USP7: PM2, PP2